The following is an entry in ClinVar:

NM_001368894.2(PAX6):c.343del (p.Glu115fs)

Gene: PAX6 (paired box 6; minus strand). Cytogenetic location: 11p13.
Variant type: Deletion.
Coding change: c.343del on transcript NM_001368894.2 (MANE Select); coding-DNA position 343, one base deleted (G; older notation c.343delG).
Protein change: p.Glu115fs; shifts the reading frame from glutamic acid 115.
Molecular consequence: frameshift variant. On other transcripts: 5 prime UTR variant (14), non-coding transcript variant (2), intron variant (8).
Genome position (GRCh38, 1-based): chr11:31,801,617, C deleted on the plus strand (G on the coding strand, the reverse complement: PAX6 is on the minus strand); the first of 3 consecutive C bases (chr11:31,801,617-31,801,619); deleting any one gives the same sequence. VCF-style (leftmost placement, unchanged base first): chr11-31801616-TC-T. GRCh37 (hg19) VCF-style: chr11-31823164-TC-T.
Other names: c.301del, p.Glu101fs (NM_000280.6, NM_001127612.3, NM_001258464.2 and 10 more transcripts); c.343del, p.Glu115fs (NM_001258462.3, NM_001258463.2, NM_001310158.2 and 6 more transcripts); c.-439del (NM_001310160.2, NM_001368902.2, NM_001368905.2); c.-108del (NM_001310161.3, NM_001368899.2, NM_001368900.2 and 8 more transcripts); c.544del, p.Glu182fs (NM_001368910.2); c.346del, p.Glu116fs (NM_001368911.2); c.418del, p.Glu140fs (NM_001368918.2, NM_001368919.2); c.376del, p.Glu126fs (NM_001368920.2); and 2 more; short protein forms E101fs, E115fs, E116fs, E126fs, E140fs, E182fs.
Identifiers: ClinVar variation 1708126 (VCV001708126.1), dbSNP rs2496127907, ClinGen allele CA2580082899.

ClinVar aggregate classification (germline): Pathogenic (1 of 4 stars; one submission).

Conditions:
Aniridia 1 (AN1). Identifiers: Orphanet 250923, MedGen C0344542, MONDO:0024507, OMIM 106210.

Submission:

Laboratory of Medical Genetics, National & Kapodistrian University of Athens
Classification: Pathogenic for Aniridia 1. Last evaluated: 2021-11-05. Review status: criteria provided, single submitter. Criteria: ACMG Guidelines, 2015. Collection method: clinical testing. Allele origin: germline. Affected: yes.
Comment: PVS1, PM2, PP3, PP5